The following is an entry in ClinVar:

ClinVar aggregate classification (germline): Uncertain significance. Review status: criteria provided, single submitter (1 of 4 stars). 2 submissions from 2 submitters: Uncertain significance (1). 1 of the submissions does not count toward it. Last evaluated 2022-07-19.

Conditions:
Autosomal recessive limb-girdle muscular dystrophy type 2B (LGMDR2). Also called: MUSCULAR DYSTROPHY, LIMB-GIRDLE, AUTOSOMAL RECESSIVE 2; Limb-Girdle Muscular Dystrophy Type 2B (LGMD2B); Limb-girdle muscular dystrophy, type 2B; MUSCULAR DYSTROPHY, LIMB-GIRDLE, TYPE 3. Identifiers: Orphanet 268, MedGen C1850889, MONDO:0009676, OMIM 253601.
Neuromuscular disease caused by qualitative or quantitative defects of dysferlin. Also called: Qualitative or quantitative defects of dysferlin; Dysferlinopathy. Identifiers: Orphanet 207073, MedGen C2931687, MONDO:0016145.

Allele frequency attached by ClinVar (database versions not stated): TOPMed 0.00001.
gnomAD v4.1: 1 of 1,607,790 alleles (0.000062%); no homozygotes.

Submissions (2):

Labcorp Genetics (formerly Invitae), Labcorp
Classification: Uncertain significance for Neuromuscular disease caused by qualitative or quantitative defects of dysferlin. Last evaluated: 2022-07-19. Review status: criteria provided, single submitter. Criteria: Invitae Variant Classification Sherloc (09022015). Collection method: clinical testing. Allele origin: germline.
Comment: This sequence change replaces aspartic acid, which is acidic and polar, with glutamic acid, which is acidic and polar, at codon 579 of the DYSF protein (p.Asp579Glu). This variant is not present in population databases (gnomAD no frequency). This variant has not been reported in the literature in individuals affected with DYSF-related conditions. ClinVar contains an entry for this variant (Variation ID: 647691). Advanced modeling of protein sequence and biophysical properties (such as structural, functional, and spatial information, amino acid conservation, physicochemical variation, residue mobility, and thermodynamic stability) performed at Invitae indicates that this missense variant is not expected to disrupt DYSF protein function. In summary, the available evidence is currently insufficient to determine the role of this variant in disease. Therefore, it has been classified as a Variant of Uncertain Significance.

Natera, Inc.
Classification: Uncertain significance for Limb-girdle muscular dystrophy type 2B. Last evaluated: 2020-11-05. Review status: no assertion criteria provided. Collection method: clinical testing. Allele origin: germline. Not counted in ClinVar's aggregate classification.

NM_001130987.2(DYSF):c.1791C>G (p.Asp597Glu)

Gene: DYSF (dysferlin; plus strand). Cytogenetic location: 2p13.2.
Variant type: single nucleotide variant.
Coding change: c.1791C>G on transcript NM_001130987.2 (MANE Select); coding-DNA position 1791, C replaced by G.
Protein change: p.Asp597Glu; replaces aspartic acid 597 with glutamic acid.
Molecular consequence: missense variant.
Genome position (GRCh38, 1-based): chr2:71,551,705, C>G. VCF-style: chr2-71551705-C-G. GRCh37 (hg19) VCF-style: chr2-71778835-C-G.
Other names: c.1740C>G, p.Asp580Glu (NM_001130455.2, NM_001130983.2); c.1695C>G, p.Asp565Glu (NM_001130976.2, NM_001130977.2); c.1737C>G, p.Asp579Glu (NM_001130978.2, NM_003494.4); c.1830C>G, p.Asp610Glu (NM_001130979.2); c.1788C>G, p.Asp596Glu (NM_001130980.2, NM_001130981.2); c.1833C>G, p.Asp611Glu (NM_001130982.2); c.1698C>G, p.Asp566Glu (NM_001130984.2, NM_001130986.2); c.1791C>G, p.Asp597Glu (NM_001130985.2); short protein forms D596E, D597E, D611E, D565E, D566E, D580E, D579E, D610E.
Identifiers: ClinVar variation 647691 (VCV000647691.7), dbSNP rs773168782, ClinGen allele CA347217769.